The following is an entry in ClinVar:

ClinVar aggregate classification (germline): Likely benign. Review status: criteria provided, multiple submitters, no conflicts (2 of 4 stars). 2 submissions from 2 submitters: Likely benign (2). Last evaluated 2023-06-26.

Conditions:
Malignant hyperthermia, susceptibility to, 1 (MHS1). Also called: Anesthesia related hyperthermia; Malignant hyperpyrexia; Fulminating hyperpyrexia; Pharmacogenic myopathy; RYR1-Related Malignant Hyperthermia Susceptibility; Malignant hyperthermia suceptibility 1. Identifiers: Orphanet 423, MedGen C2930980, MONDO:0007783, OMIM 145600.

Submissions (2):

All of Us Research Program, National Institutes of Health
Classification: Likely benign for Malignant hyperthermia, susceptibility to, 1. Last evaluated: 2023-06-26. Review status: criteria provided, single submitter. Criteria: ACMG Guidelines, 2015. Collection method: clinical testing. Allele origin: germline. Inheritance: Autosomal dominant inheritance. Observed: 1 variant allele, 1 heterozygote.
Comment: This study involves interpretation of variants in research participants for the purpose of population health screening. Participant phenotype was not available at the time of variant classification. Additional details can be found in publication PMID: 35346344, PMCID: PMC8962531

Color Diagnostics, LLC DBA Color Health
Classification: Likely benign for Malignant hyperthermia, susceptibility to, 1. Last evaluated: 2022-12-22. Review status: criteria provided, single submitter. Criteria: ACMG Guidelines, 2015. Collection method: clinical testing. Allele origin: germline.

NM_000540.3(RYR1):c.11517-5C>T

Gene: RYR1 (ryanodine receptor 1; plus strand). Cytogenetic location: 19q13.2.
Variant type: single nucleotide variant.
Coding change: c.11517-5C>T on transcript NM_000540.3 (MANE Select); 5 bases into the intron before coding-DNA position 11517, C replaced by T.
Molecular consequence: intron variant.
Genome position (GRCh38, 1-based): chr19:38,535,992, C>T. VCF-style: chr19-38535992-C-T. GRCh37 (hg19) VCF-style: chr19-39026632-C-T.
Other names: c.11502-5C>T (NM_001042723.2).
Identifiers: ClinVar variation 3071934 (VCV003071934.2), dbSNP rs2514535441, ClinGen allele CA2825002801.